The following is an entry in ClinVar:

ClinVar aggregate classification (germline): Pathogenic (1 of 4 stars; one submission).

Conditions:
Microcephaly. Also called: Microcephaly (disease). Identifiers: MedGen C4551563, MONDO:0001149, HP:0000252.
Intellectual disability. Also called: intellectual disabilities; Intellectual functioning disability; Intellectual developmental disorder. Identifiers: MedGen C3714756, MeSH D008607, MONDO:0001071, HP:0001249.

Submission:

Department of Medical Genetics, University of Szeged
Classification: Pathogenic for Intellectual disability; Microcephaly. Last evaluated: 2019-03-24. Review status: criteria provided, single submitter. Criteria: ACMG Guidelines, 2015. Collection method: clinical testing. Allele origin: maternal. Inheritance: X-linked recessive inheritance. Affected: yes. Observed: 1 hemizygote.
Comment: In silico variant prediction tools and protein modelling indicated that the Val 326Leu variant has a damaging impact on the protein function. In summary, the Val326Leu variant meets our criteria to be classified as pathogenic based upon segregated studies, absence from controls and in silico evidence.

NM_002578.5(PAK3):c.976G>C (p.Val326Leu)

Gene: PAK3 (p21 (RAC1) activated kinase 3; plus strand). Cytogenetic location: Xq23.
Variant type: single nucleotide variant.
Coding change: c.976G>C on transcript NM_002578.5 (MANE Select); coding-DNA position 976, G replaced by C.
Protein change: p.Val326Leu; replaces valine 326 with leucine.
Molecular consequence: missense variant. On other transcripts: non-coding transcript variant (2).
Genome position (GRCh38, 1-based): chrX:111,192,602, G>C. VCF-style: chrX-111192602-G-C. GRCh37 (hg19) VCF-style: chrX-110435830-G-C.
Other names: c.976G>C, p.Val326Leu (NM_001128166.3, NM_001128167.3, NM_001324332.2 and 5 more transcripts); c.1021G>C, p.Val341Leu (NM_001324333.2, NM_001128173.3, NM_001324327.2 and 2 more transcripts); c.1084G>C, p.Val362Leu (NM_001128168.3); c.1039G>C, p.Val347Leu (NM_001128172.2); short protein forms V341L, V362L, V326L, V347L.
Identifiers: ClinVar variation 684413 (VCV000684413.3), dbSNP rs1603373827, ClinGen allele CA414237805.
Genomic context (GRCh38, chrX:111,192,602, plus strand): 5'-AAGAAGGAATTAATTATTAATGAAATTCTGGTCATGAGGGAAAATAAGAACCCTAATATT[G>C]TTAATTATTTAGATAGGTAAGTGTTTTGTCTTATTATGTACTTATATTCTTTGTGGGATG-3'
Protein context (NP_002569.1, residues 316-336): VMRENKNPNI[Val326Leu]NYLDSYLVGD